The following is an entry in ClinVar:

ClinVar aggregate classification (germline): Uncertain significance. Review status: reviewed by expert panel (3 of 4 stars). 2 submissions from 2 submitters: Uncertain significance (1). 1 of the submissions does not count toward it. Last evaluated 2026-04-30.

Conditions:
Beta-thalassemia HBB/LCRB. Identifiers: MedGen CN322236, MONDO:0013517, OMIM 613985.

Allele frequency attached by ClinVar (database versions not stated): gnomAD 0.00004 and 0.00003; gnomAD exomes 0.00001 and 0.00003; TOPMed 0.00001.
gnomAD v4.1: 16 of 1,611,680 alleles (0.00099%); highest among the groups gnomAD compares: Admixed American, 0.018%; no homozygotes.

Submissions (2):

ClinGen Hemoglobinopathy Variant Curation Expert Panel, ClinGen
Classification: Uncertain significance for Beta-thalassemia HBB/LCRB. Last evaluated: 2026-04-30. Review status: reviewed by expert panel. Criteria: ClinGen Hb Opathy ACMG Specifications HBB V1.0.0. Collection method: curation. Allele origin: germline. Inheritance: Autosomal recessive inheritance.
Comment: The c.316-36C>T variant in HBB is an intronic variant located 36 nucleotides upstream of the intron 2-exon 3 junction site. The variant was found in compound heterozygosity with a pathogenic variant (HbE) in one individual with beta-thalassemia major, giving a total score of 1 [PM3; PMID: 18951049]. The minor allele frequency in gnomAD v4.1 is 0.000009928 (16/1611680 alleles), which is lower than the ClinGen Hemoglobinopathy VCEP threshold <0.0001 for PM2_Supporting, and therefore meets this criterion [PM2_P]. The results from two in silico predictors, CADD (PHRED score 1.183; VCEP threshold ≤11) and SpliceAI (Δ score 0; VCEP threshold ≤0.3), suggest that this variant is not expected to impact HBB function [BP4]. In summary, due to insufficient and conflicting evidence, this variant is classified as a variant of uncertain significance (VUS) for autosomal recessive beta-thalassemia HBB/LCRB (MONDO:0013517) based on the ACMG/AMP criteria applied, as specified by the ClinGen Hemoglobinopathy VCEP (specification version 1.0.0): PM2_P, PM3, BP4

Labcorp Genetics (formerly Invitae), Labcorp
Classification: Likely benign. Last evaluated: 2023-12-13. Review status: criteria provided, single submitter. Criteria: Invitae Variant Classification Sherloc (09022015). Collection method: clinical testing. Allele origin: germline. Not counted in ClinVar's aggregate classification.

NM_000518.5(HBB):c.316-36C>T

Genes: HBB (hemoglobin subunit beta; minus strand), LOC110006319 (beta-globin gene 3' regulatory region; plus strand), LOC107133510 (origin of replication at HBB; plus strand). Cytogenetic location: 11p15.4.
Variant type: single nucleotide variant.
Coding change: c.316-36C>T on transcript NM_000518.5 (MANE Select); 36 bases into the intron before coding-DNA position 316, C replaced by T.
Molecular consequence: intron variant.
Genome position (GRCh38, 1-based): chr11:5,225,762, G>A on the plus strand (C>T on the coding strand, the complement: HBB is on the minus strand). VCF-style: chr11-5225762-G-A. GRCh37 (hg19) VCF-style: chr11-5246992-G-A.
Identifiers: ClinVar variation 799593 (VCV000799593.11), dbSNP rs908362696, ClinGen allele CA217112923.